The following is an entry in ClinVar:

NM_001371189.2(UNC13B):c.4031A>G (p.Tyr1344Cys)

Gene: UNC13B (unc-13 homolog B; plus strand). Cytogenetic location: 9p13.3.
Variant type: single nucleotide variant.
Coding change: c.4031A>G on transcript NM_001371189.2 (MANE Select); coding-DNA position 4031, A replaced by G.
Protein change: p.Tyr1344Cys; replaces tyrosine 1344 with cysteine.
Molecular consequence: missense variant. On other transcripts: intron variant (6).
Genome position (GRCh38, 1-based): chr9:35,303,435, A>G. VCF-style: chr9-35303435-A-G. GRCh37 (hg19) VCF-style: chr9-35303432-A-G.
Other names: c.798-7032A>G (NM_001387551.1); c.762-7032A>G (NM_001330653.3, NM_006377.6, NM_001371186.2); c.615-7032A>G (NM_001387553.1, NM_001387554.1); short protein forms Y1344C.
Identifiers: ClinVar variation 3250777 (VCV003250777.18), dbSNP rs111413908.

ClinVar aggregate classification (germline): Likely benign (1 of 4 stars; one submission).

Allele frequency attached by ClinVar (database versions not stated): 1000 Genomes Project 0.00240; 1000 Genomes Project 30x 0.00250; gnomAD 0.00381; TOPMed 0.00433.
gnomAD v4.1: 1,786 of 398,802 alleles (0.45%); highest among the groups gnomAD compares: Non-Finnish European, 0.65%; 3 homozygotes.

Submission:

CeGaT Center for Human Genetics Tuebingen
Classification: Likely benign. Last evaluated: 2024-06-01. Review status: criteria provided, single submitter. Criteria: CeGaT Center For Human Genetics Tuebingen Variant Classification Criteria Version 2. Collection method: clinical testing. Allele origin: germline. Affected: yes. Observed: 1 variant allele.
Comment: UNC13B: BS2